The following is an entry in ClinVar:

NM_001330683.2(TTC3):c.5850+3A>G

Gene: TTC3 (tetratricopeptide repeat domain 3; plus strand). Cytogenetic location: 21q22.13.
Variant type: single nucleotide variant.
Coding change: c.5850+3A>G on transcript NM_001330683.2 (MANE Select); 3 bases into the intron after coding-DNA position 5850, A replaced by G.
Molecular consequence: intron variant.
Genome position (GRCh38, 1-based): chr21:37,198,028, A>G. VCF-style: chr21-37198028-A-G. GRCh37 (hg19) VCF-style: chr21-38570329-A-G.
Other names: c.5970+3A>G (NM_001320703.2); c.4920+3A>G (NM_001353936.2, NM_001330682.2, NM_001330681.2); c.5904+3A>G (NM_001320704.2); c.3684+3A>G (NM_001353938.2, NM_001353937.2); c.5850+3A>G (NM_001001894.3, NM_003316.4).
Identifiers: ClinVar variation 3341534 (VCV003341534.16).

ClinVar aggregate classification (germline): Likely benign (1 of 4 stars; one submission).

gnomAD v4.1: 9,969 of 1,597,426 alleles (0.62%); highest among the groups gnomAD compares: Non-Finnish European, 0.76%; 55 homozygotes.

Submission:

CeGaT Center for Human Genetics Tuebingen
Classification: Likely benign. Last evaluated: 2024-07-01. Review status: criteria provided, single submitter. Criteria: CeGaT Center For Human Genetics Tuebingen Variant Classification Criteria Version 2. Collection method: clinical testing. Allele origin: germline. Affected: yes. Observed: 1 variant allele.
Comment: TTC3: BS2